The following is an entry in ClinVar:

ClinVar aggregate classification (germline): Likely pathogenic (1 of 4 stars; one submission).

Conditions:
Dyskeratosis congenita, autosomal recessive 5 (DKCB5). Identifiers: MedGen C3554656, MONDO:0014076, OMIM 615190.
Pulmonary fibrosis and/or bone marrow failure, Telomere-related, 3. Also called: PULMONARY FIBROSIS AND/OR BONE MARROW FAILURE SYNDROME, TELOMERE-RELATED, 3. Identifiers: Orphanet 2032, MedGen C4225346, MONDO:0014613, OMIM 616373.

Submission:

Labcorp Genetics (formerly Invitae), Labcorp
Classification: Likely pathogenic for Dyskeratosis congenita, autosomal recessive 5; Pulmonary fibrosis and/or bone marrow failure, Telomere-related, 3. Last evaluated: 2023-06-11. Review status: criteria provided, single submitter. Criteria: Invitae Variant Classification Sherloc (09022015). Collection method: clinical testing. Allele origin: germline.
Comment: In summary, the currently available evidence indicates that the variant is pathogenic, but additional data are needed to prove that conclusively. Therefore, this variant has been classified as Likely Pathogenic. Algorithms developed to predict the effect of sequence changes on RNA splicing suggest that this variant may disrupt the consensus splice site. This variant has not been reported in the literature in individuals affected with RTEL1-related conditions. This variant is not present in population databases (gnomAD no frequency). This sequence change affects an acceptor splice site in intron 27 of the RTEL1 gene. It is expected to disrupt RNA splicing. Variants that disrupt the donor or acceptor splice site typically lead to a loss of protein function (PMID: 16199547), and loss-of-function variants in RTEL1 are known to be pathogenic (PMID: 23453664, 23959892, 25607374).

Literature cited by the submitters: PubMed 16199547; PubMed 23453664; PubMed 23959892; PubMed 25607374.

NM_001283009.2(RTEL1):c.2557-1G>A

Genes: RTEL1 (regulator of telomere elongation helicase 1; plus strand), RTEL1-TNFRSF6B (RTEL1-TNFRSF6B readthrough (NMD candidate); plus strand). Cytogenetic location: 20q13.33.
Variant type: single nucleotide variant.
Coding change: c.2557-1G>A on transcript NM_001283009.2 (MANE Select); the canonical splice acceptor site of the intron before coding-DNA position 2557, G replaced by A.
Molecular consequence: splice acceptor variant.
Genome position (GRCh38, 1-based): chr20:63,691,741, G>A. VCF-style: chr20-63691741-G-A. GRCh37 (hg19) VCF-style: chr20-62323094-G-A.
Other names: c.1888-1G>A (NM_001283010.1); c.2629-1G>A (NM_032957.5); c.2557-1G>A (NM_016434.4).
Identifiers: ClinVar variation 2948772 (VCV002948772.3), dbSNP rs2517154875, ClinGen allele CA409682194.
Genomic context (GRCh38, chr20:63,691,741, plus strand): 5'-TTTGGGACCCCAGAGTGTGTGGTTGGGGTCTGTGTGTGGTTGTGAGCTGTGTCCTCCTCA[G>A]GCCCACAGCTGCTCCACCCTGTCCCTCCTGTCTGAGAAGAGGCCGGCAGAAGAACCGCGA-3'